The following is an entry in ClinVar:

NM_001943.5(DSG2):c.1035GAA[1] (p.Lys346del)

Gene: DSG2 (desmoglein 2; plus strand). Cytogenetic location: 18q12.1.
Variant type: Microsatellite.
Coding change: c.1035GAA[1] on transcript NM_001943.5 (MANE Select); one copy of the 3-base unit GAA starting at c.1035; the reference has two copies in a row; one copy, 3 bases deleted; also written c.1038_1040del.
Protein change: p.Lys346del; deletes lysine 346.
Molecular consequence: inframe deletion.
Genome position (GRCh38, 1-based): chr18:31,531,010-31,531,012, GAA deleted; deleting any 3 consecutive bases within chr18:31,531,007-31,531,012 gives the same sequence; the position shown is the placement nearest the transcript's 3' end. VCF-style (leftmost placement, unchanged base first): chr18-31531006-TGAA-T. GRCh37 (hg19) VCF-style: chr18-29110969-TGAA-T.
Other names: c.1038_1040del (NM_001943.5, NM_001943.3); c.1038_1040delGAA (NM_001943.5); short protein forms K346del.
Identifiers: ClinVar variation 163205 (VCV000163205.28), dbSNP rs727502987, ClinGen allele CA021250.

ClinVar aggregate classification (germline): Conflicting classifications of pathogenicity. Review status: criteria provided, conflicting classifications (1 of 4 stars). 10 submissions from 10 submitters: Likely pathogenic (1); Uncertain significance (9). Last evaluated 2025-10-22.

Conditions:
Cardiovascular phenotype. Identifiers: MedGen CN230736.
Dilated and arrhythmogenic cardiomyopathy.
Arrhythmogenic right ventricular dysplasia 10. Also called: Arrhythmogenic right ventricular dysplasia/cardiomyopathy, type 10; Arrhythmogenic Right Ventricular Dysplasia/Cardiomyopathy10; ARRHYTHMOGENIC RIGHT VENTRICULAR DYSPLASIA, FAMILIAL, 10. Identifiers: MedGen C1857777, MONDO:0012434, OMIM 610193.
Dilated cardiomyopathy 1BB (CMD1BB). Also called: CARDIOMYOPATHY, DILATED, 1BB, SUSCEPTIBILITY TO. Identifiers: Orphanet 154, MedGen C2752072, MONDO:0013030, OMIM 612877.
Cardiomyopathy (CMYO). Also called: Cardiomyopathies. Identifiers: Orphanet 167848, MedGen C0878544, MONDO:0004994, HP:0001638. Inheritance: Various modes of inheritance.
Arrhythmogenic right ventricular cardiomyopathy (ARVD). Also called: Arrhythmogenic cardiomyopathy; Arrhythmogenic Right Ventricular Cardiomyopathy (ARVC); Cardiomyopathy, ARVC; Arrhythmogenic right ventricular dysplasia. Identifiers: Orphanet 247, MedGen C0349788, MeSH D019571, MONDO:0016587. Disease mechanism: loss of function. Inheritance: Various modes of inheritance.

Submissions (10):

Labcorp Genetics (formerly Invitae), Labcorp
Classification: Uncertain significance for Arrhythmogenic right ventricular dysplasia 10. Last evaluated: 2025-10-22. Review status: criteria provided, single submitter. Criteria: Invitae Variant Classification Sherloc (09022015). Collection method: clinical testing. Allele origin: germline.
Comment: This variant, c.1038_1040del, results in the deletion of 1 amino acid(s) of the DSG2 protein (p.Lys346del), but otherwise preserves the integrity of the reading frame. This variant is present in population databases (rs727502987, gnomAD 0.002%). This variant has been observed in individual(s) with arrhythmogenic right ventricular cardiomyopathy (PMID: 20857253, 21606390, 27532257, 37418234). ClinVar contains an entry for this variant (Variation ID: 163205). Experimental studies and prediction algorithms are not available or were not evaluated, and the functional significance of this variant is currently unknown. In summary, the available evidence is currently insufficient to determine the role of this variant in disease. Therefore, it has been classified as a Variant of Uncertain Significance.

Women's Health and Genetics/Laboratory Corporation of America, LabCorp
Classification: Uncertain significance. Last evaluated: 2025-09-08. Review status: criteria provided, single submitter. Criteria: LabCorp Variant Classification Summary - May 2015. Collection method: clinical testing. Allele origin: germline.
Comment: Variant summary: DSG2 c.1038_1040delGAA (p.Lys346del) results in an in-frame deletion that is predicted to remove one amino acid from the encoded protein. The variant allele was found at a frequency of 8e-06 in 249096 control chromosomes. The available data on variant occurrences in the general population are insufficient to allow any conclusion about variant significance. c.1038_1040delGAA has been observed in individuals affected with Arrhythmogenic Right Ventricular Dysplasia/Cardiomyopathy (Tan_2010, Quarta_2011, Walsh_2017, van Lint_2019, Vadgama_2022). These reports do not provide unequivocal conclusions about association of the variant with Arrhythmogenic Right Ventricular Dysplasia/Cardiomyopathy. To our knowledge, no experimental evidence demonstrating an impact on protein function has been reported. The following publications have been ascertained in the context of this evaluation (PMID: 39472908, 21606390, 20857253, 23810894, 36357925, 27532257, 31402444, 31386562). ClinVar contains an entry for this variant (Variation ID: 163205). Based on the evidence outlined above, the variant was classified as uncertain significance.

Color Diagnostics, LLC DBA Color Health
Classification: Uncertain significance for Cardiomyopathy. Last evaluated: 2025-06-04. Review status: criteria provided, single submitter. Criteria: ACMG Guidelines, 2015. Collection method: clinical testing. Allele origin: germline.
Comment: This variant results in a deletion of single amino acid at codon 346 position of the DSG2 protein. To our knowledge, functional studies have not been reported for this variant. This variant has been reported in several unrelated individuals affected with arrhythmogenic right ventricular cardiomyopathy (PMID: 21606390, 27532257, 29759408). This variant has been reported in an individual affected with arrhythmogenic right ventricular cardiomyopathy in trans with a pathogenic DSG2 c.523+2T>C variant, which could explain the observed phenotype (PMID: 20857253, 29759408). This variant has been identified in 2/249096 chromosomes in the general population by the Genome Aggregation Database (gnomAD). The available evidence is insufficient to determine the role of this variant in disease conclusively. Therefore, this variant is classified as a Variant of Uncertain Significance.

North West Genomic Laboratory Hub, Manchester University NHS Foundation Trust
Classification: Likely pathogenic for Dilated and arrhythmogenic cardiomyopathy. Last evaluated: 2024-11-22. Review status: criteria provided, single submitter. Criteria: ACGS Best Practice Guidelines for Variant Classification in Rare Disease 2024. Collection method: clinical testing. Allele origin: germline. Affected: yes.
Comment: PM3_Str PM2_Mod PM4_Supp PS4_Mod

Victorian Clinical Genetics Services, Murdoch Childrens Research Institute
Classification: Uncertain significance for Arrhythmogenic right ventricular dysplasia 10. Last evaluated: 2023-12-21. Review status: criteria provided, single submitter. Criteria: ACMG Guidelines, 2015. Collection method: clinical testing. Allele origin: germline. Inheritance: Autosomal dominant inheritance. Affected: yes.
Comment: Based on the classification scheme VCGS_Germline_v1.3.4, this variant is classified as VUS-3B. Following criteria are met: 0103 - Loss of function and gain of function are reported mechanisms of disease in this gene and are associated with arrhythmogenic right ventricular dysplasia 10 (ARVD; MIM#610193) and dilated cardiomyopathy 1BB (DCM; MIM#612877) (ClinVar, PMID: 23071725). (I) 0108 - This gene is associated with both recessive and dominant disease. It is commonly associated to dominant inheritance; however, recessive has been reported in severe DCM patients (OMIM). (I) 0112 - The ARVD condition associated with this gene has incomplete penetrance (OMIM). (I) 0216 - In-frame insertion/deletion in a non-repetitive region that has moderate conservation. (SP) 0251 - This variant is heterozygous. (I) 0304 - Variant is present in gnomAD <0.01 (v2 and v3 non-v2: 6 heterozygotes, 0 homozygotes). (SP) 0600 - Variant is located in the annotated cadherin domain (DECIPHER). (I) 0705 - No comparable in-frame deletion variants have previous evidence for pathogenicity. (I) 0808 - Previous reports of pathogenicity for this variant are conflicting. This variant has been reported by multiple clinical laboratories as VUS (ClinVar). It has also been reported in nine individuals with ARVC/D, three of whom also have a frameshift or splice variant in DSG2 (cardiodb and PMIDs: 27532257, 20857253, 21606390, 25820315, 36357925, 37418234). In addition, this variant has been reported in an individual with nonischemic DCM and ventricular tachycardia, who also has a frameshift variant in the TTN gene (PMID: 33190517). (I) 0905 - No published segregation evidence has been identified for this variant. (I) 1010 - Functional evidence for this variant is inconclusive. Immunostaining of buccal mucosa cells from a patient with this variant showed the signal for plakoglobin was diminished or absent (PMID: 26850880). (I) 1208 - Inheritance information for this variant is not currently available in this individual. (I) Legend: (SP) - Supporting pathogenic, (I) - Information, (SB) - Supporting benign

GeneDx
Classification: Uncertain significance. Last evaluated: 2022-06-07. Review status: criteria provided, single submitter. Criteria: GeneDx Variant Classification Process June 2021. Collection method: clinical testing. Allele origin: germline. Affected: yes.
Comment: Not observed at significant frequency in large population cohorts (gnomAD); In-frame deletion of one amino acid in a non-repeat region; This variant is associated with the following publications: (PMID: 23810894, 20857253, 23871885, 23671136, 24563469, 27532257, 31402444, 31386562, 33190517, 21606390, 29759408, 32114801, 24585727)

Fulgent Genetics
Classification: Uncertain significance for Arrhythmogenic right ventricular dysplasia 10; Dilated cardiomyopathy 1BB. Last evaluated: 2022-05-03. Review status: criteria provided, single submitter. Criteria: ACMG Guidelines, 2015. Collection method: clinical testing. Allele origin: unknown.

Ambry Genetics
Classification: Uncertain significance for Cardiovascular phenotype. Last evaluated: 2021-06-28. Review status: criteria provided, single submitter. Criteria: Ambry Variant Classification Scheme 2023. Collection method: clinical testing. Allele origin: germline.
Comment: The c.1038_1040delGAA variant (also known as p.K346del) is located in coding exon 9 of the DSG2 gene. This variant results from an in-frame GAA deletion at nucleotide positions 1038 to 1040. This results in the in-frame deletion of a lysine at codon 346. This variant has been identified in individuals with arrhythmogenic right ventricular cardiomyopathy, some of whom had additional cardiac variants detected (Tan BY et al. J Cardiovasc Transl Res, 2010 Dec;3:663-73; Quarta G et al. Circulation, 2011 Jun;123:2701-9; Bhonsale A et al. Circ Arrhythm Electrophysiol, 2013 Jun;6:569-78; Orgeron GM et al. J Am Heart Assoc, 2017 Jun;6). This amino acid position is well conserved in available vertebrate species. In addition, this alteration is predicted to be deleterious by in silico analysis (Choi Y et al. PLoS ONE. 2012; 7(10):e46688). Based on available evidence to date, the clinical significance of this alteration remains unclear.

Center for Advanced Laboratory Medicine, UC San Diego Health, University of California San Diego
Classification: Uncertain significance for Arrhythmogenic right ventricular cardiomyopathy. Last evaluated: 2017-02-02. Review status: criteria provided, single submitter. Criteria: ACMG Guidelines, 2015. Collection method: clinical testing. Allele origin: germline. Affected: yes. Observed: 1 variant allele.

Laboratory for Molecular Medicine, Mass General Brigham Personalized Medicine
Classification: Uncertain significance. Last evaluated: 2014-06-19. Review status: criteria provided, single submitter. Criteria: LMM Criteria. Collection method: clinical testing. Allele origin: germline. Observed: 3 variant alleles.
Comment: The Lys346del variant in DSG2 has been reported in 2 individuals with ARVC and w as absent from 1400 control chromosomes (Tan 2010, Quarta 2011). Two of these individuals (Tan 2010, LMM) carried other likely pathogenic variants, including 1 in the DSG2 gene on the other allele (in trans) . This variant is a deletion of 1 amino acid at position 346 and is not predicte d to alter the protein reading-frame, though it is unclear if this deletion will impact the protein. In summary, the clinical significance of the Lys346del vari ant is uncertain.

Literature cited by the submitters: PubMed 20857253 (cited by 6 submitters); PubMed 21606390 (cited by 6 submitters); PubMed 27532257 (cited by 5 submitters); PubMed 37418234 (cited by Labcorp Genetics (formerly Invitae), Labcorp and Victorian Clinical Genetics Services, Murdoch Childrens Research Institute); PubMed 23810894 (cited by 3 submitters); PubMed 31402444 (cited by Women's Health and Genetics/Laboratory Corporation of America, LabCorp and Ambry Genetics); PubMed 31386562 (cited by Women's Health and Genetics/Laboratory Corporation of America, LabCorp and Ambry Genetics); PubMed 39472908 (cited by Women's Health and Genetics/Laboratory Corporation of America, LabCorp); PubMed 36357925 (cited by Women's Health and Genetics/Laboratory Corporation of America, LabCorp and Victorian Clinical Genetics Services, Murdoch Childrens Research Institute); PubMed 29759408 (cited by Color Diagnostics, LLC DBA Color Health); PubMed 23071725 (cited by Victorian Clinical Genetics Services, Murdoch Childrens Research Institute); PubMed 25820315 (cited by Victorian Clinical Genetics Services, Murdoch Childrens Research Institute and Ambry Genetics); PubMed 26850880 (cited by Victorian Clinical Genetics Services, Murdoch Childrens Research Institute and Ambry Genetics); PubMed 33190517 (cited by Victorian Clinical Genetics Services, Murdoch Childrens Research Institute); PubMed 23671136 (cited by Ambry Genetics); PubMed 28588093 (cited by Ambry Genetics).